The following is an entry in ClinVar:

NC_000001.11:g.(?_241519581)_(241519732_?)del

Gene: FH (fumarate hydratase; minus strand). Cytogenetic location: 1q43.
Variant type: Deletion.
Identifiers: ClinVar variation 831658 (VCV000831658.1).

ClinVar aggregate classification (germline): Pathogenic (1 of 4 stars; one submission).

Conditions:
Fumarase deficiency (FMRD). Also called: Fumarate Hydratase Deficiency; Fumaric aciduria. Identifiers: Orphanet 24, MedGen C0342770, MONDO:0011730, OMIM 606812.

Submission:

Labcorp Genetics (formerly Invitae), Labcorp
Classification: Pathogenic for Fumarase deficiency. Last evaluated: 2019-02-08. Review status: criteria provided, single submitter. Criteria: Invitae Variant Classification Sherloc (09022015). Collection method: clinical testing. Allele origin: germline.
Comment: This variant is a gross deletion of the genomic region encompassing exon 1 of the FH gene, which includes the initiator codon. The 5' end of this event is unknown as it extends beyond the assayed region for this gene and therefore may encompass additional genes. The 3' boundary is likely confined to intron 1 of the FH gene. This is expected to result in an absent or disrupted protein product. Deletions of exon 1 have been reported in individuals affected with hereditary leiomyomatosis and renal cell carcinoma (PMID: 18503824, 28196407). Loss-of-function variants in FH are known to be pathogenic (PMID: 11865300, 21398687). For these reasons, this variant has been classified as Pathogenic.

Literature cited by the submitters: PubMed 28196407; PubMed 18503824.